The following is an entry in ClinVar:

ClinVar aggregate classification (germline): Uncertain significance (1 of 4 stars; one submission).

Conditions:
Familial cold autoinflammatory syndrome 2 (FCAS2). Identifiers: Orphanet 247868, MedGen C2673198, MONDO:0012724, OMIM 611762.

Submission:

Labcorp Genetics (formerly Invitae), Labcorp
Classification: Uncertain significance for Familial cold autoinflammatory syndrome 2. Last evaluated: 2023-08-23. Review status: criteria provided, single submitter. Criteria: Invitae Variant Classification Sherloc (09022015). Collection method: clinical testing. Allele origin: germline.
Comment: This variant is not present in population databases (gnomAD no frequency). In summary, the available evidence is currently insufficient to determine the role of this variant in disease. Therefore, it has been classified as a Variant of Uncertain Significance. Advanced modeling of protein sequence and biophysical properties (such as structural, functional, and spatial information, amino acid conservation, physicochemical variation, residue mobility, and thermodynamic stability) performed at Invitae indicates that this missense variant is expected to disrupt NLRP12 protein function. This variant has not been reported in the literature in individuals affected with NLRP12-related conditions. This sequence change replaces proline, which is neutral and non-polar, with serine, which is neutral and polar, at codon 404 of the NLRP12 protein (p.Pro404Ser).

NM_144687.4(NLRP12):c.1210C>T (p.Pro404Ser)

Gene: NLRP12 (NLR family pyrin domain containing 12; minus strand). Cytogenetic location: 19q13.42.
Variant type: single nucleotide variant.
Coding change: c.1210C>T on transcript NM_144687.4 (MANE Select); coding-DNA position 1210, C replaced by T.
Protein change: p.Pro404Ser; replaces proline 404 with serine.
Molecular consequence: missense variant.
Genome position (GRCh38, 1-based): chr19:53,810,449, G>A on the plus strand (C>T on the coding strand, the complement: NLRP12 is on the minus strand). VCF-style: chr19-53810449-G-A. GRCh37 (hg19) VCF-style: chr19-54313703-G-A.
Other names: c.1210C>T, p.Pro404Ser (NM_001277126.2, NM_001277129.1); short protein forms P404S.
Identifiers: ClinVar variation 2754671 (VCV002754671.3), dbSNP rs2514342106, ClinGen allele CA407413998.
Genomic context (GRCh38, chr19:53,810,449, plus strand): 5'-ACAGCCCCCCACCCTCCAGCTGCTGCTGGAGGCAGGTACACACCACCCAGCACACCAGGG[G>A]GACGAAGCACATGGTGAAGAGAGGCTCGTTGTCCCTCACGTAATTGAAGACTTGGCCCGC-3'
Protein context (NP_653288.1, residues 394-414): NEPLFTMCFV[Pro404Ser]LVCWVVCTCL